The following is an entry in ClinVar:

ClinVar aggregate classification (germline): Conflicting classifications of pathogenicity. Review status: criteria provided, conflicting classifications (1 of 4 stars). 2 submissions from 2 submitters: Uncertain significance (1); Likely benign (1). Last evaluated 2025-12-23.

Allele frequency attached by ClinVar (database versions not stated): gnomAD 0.00005 and 0.00008; gnomAD exomes 0.00010 and 0.00020; TOPMed 0.00013; 1000 Genomes Project 30x 0.00016; 1000 Genomes Project 0.00020; ExAC 0.00023.
gnomAD v4.1: 154 of 1,613,646 alleles (0.0095%); highest among the groups gnomAD compares: East Asian, 0.23%; no homozygotes.

Submissions (5):

Labcorp Genetics (formerly Invitae), Labcorp
Classification: Likely benign. Last evaluated: 2025-12-23. Review status: criteria provided, single submitter. Criteria: Invitae Variant Classification Sherloc (09022015). Collection method: clinical testing. Allele origin: germline.

GeneDx
Classification: Uncertain significance. Last evaluated: 2022-12-28. Review status: criteria provided, single submitter. Criteria: GeneDx Variant Classification Process June 2021. Collection method: clinical testing. Allele origin: germline. Affected: yes.
Comment: In silico analysis is inconclusive as to whether the variant alters gene splicing. In the absence of RNA/functional studies, the actual effect of this sequence change is unknown.; Has not been previously published as pathogenic or benign to our knowledge

Dr. Peter K. Rogan Lab, Western University
No classification provided (evidence only). Condition: Familial cancer of breast. Review status: no classification provided. Collection method: in vitro. Allele origin: not applicable. Functional consequence: skipped exon. Not counted in ClinVar's aggregate classification.

Dr. Peter K. Rogan Lab, Western University
No classification provided (evidence only). Condition: Colorectal cancer. Review status: no classification provided. Collection method: in vitro. Allele origin: not applicable. Functional consequence: retained intron. Not counted in ClinVar's aggregate classification.

Dr. Peter K. Rogan Lab, Western University
No classification provided (evidence only). Condition: Ovarian cancer. Review status: no classification provided. Collection method: in vitro. Allele origin: not applicable. Functional consequence: skipped exon, retained intron. Not counted in ClinVar's aggregate classification.

NM_015650.4(IFT54):c.1451+5G>A

Gene: IFT54 (intraflagellar transport 54; plus strand). Cytogenetic location: 2q37.3.
Variant type: single nucleotide variant.
Coding change: c.1451+5G>A on transcript NM_015650.4 (MANE Select); 5 bases into the intron after coding-DNA position 1451, G replaced by A.
Molecular consequence: intron variant.
Genome position (GRCh38, 1-based): chr2:238,349,413, G>A. VCF-style: chr2-238349413-G-A. GRCh37 (hg19) VCF-style: chr2-239258054-G-A.
Other names: c.1253+5G>A (NM_001139490.1).
Identifiers: ClinVar variation 746342 (VCV000746342.12), dbSNP rs200601081, ClinGen allele CA2198449.
Genomic context (GRCh38, chr2:238,349,413, plus strand): 5'-CCAGCCCCTCCCCGGGTCAAACGGCAAGACAGCATGGAGGCGCTACAAATGGATAGGTAA[G>A]GCTGGCTCAGCAGGGCAGTTCCAGCCACACAGTGTGTTCTCCAGTGGGCATGGTGCCTCC-3'